The following is an entry in ClinVar:

NC_000005.9:g.(?_155753766)_(155771688_155935610)dup

Gene: SGCD (sarcoglycan delta; plus strand). Cytogenetic location: 5q33.3.
Variant type: Duplication.
Identifiers: ClinVar variation 1705132 (VCV001705132.1).

ClinVar aggregate classification (germline): Uncertain significance (1 of 4 stars; one submission).

Submission:

Women's Health and Genetics/Laboratory Corporation of America, LabCorp
Classification: Uncertain significance. Last evaluated: 2022-08-02. Review status: criteria provided, single submitter. Criteria: LabCorp Variant Classification Summary - May 2015. Collection method: clinical testing. Allele origin: germline.
Comment: Variant summary: The variant identified by MLPA or other technology involves the duplication of exons 1-3 in the SGCD gene. A presumed nomenclature of c.(?_-520)_(192+1_193-1)dup has been designated for the purposes of this classification. The exact breakpoint at the 5' end of this variant is unknown and therefore this duplication might extend upsream of the assayed region of the SGCD gene. It has been assumed that this is a tandem duplication in direct orientation (Richardson_GIM_2018, Newman_AJHG_2015). Since the exact breakpoints of this duplication are not known, it is not possible to predict if it causes an in-frame or an out-of-frame product. The variant was absent in 21694 control chromosomes. The available data on variant occurrences in the general population are insufficient to allow any conclusion about variant significance. To our knowledge, no occurrence of c.(?_-520)_(192+1_193-1)dup in individuals affected with Limb-Girdle Muscular Dystrophy, Autosomal Recessive and no experimental evidence demonstrating its impact on protein function have been reported. No clinical diagnostic laboratories have submitted clinical-significance assessments for this variant to ClinVar after 2014. Based on the evidence outlined above, the variant was classified as uncertain significance.